The following is an entry in ClinVar:

NM_000310.4(PPT1):c.798+1G>A

Gene: PPT1 (palmitoyl-protein thioesterase 1; minus strand). Cytogenetic location: 1p34.2.
Variant type: single nucleotide variant.
Coding change: c.798+1G>A on transcript NM_000310.4 (MANE Select); the canonical splice donor site of the intron after coding-DNA position 798, G replaced by A.
Molecular consequence: splice donor variant. On other transcripts: intron variant (1).
Genome position (GRCh38, 1-based): chr1:40,076,841, C>T on the plus strand (G>A on the coding strand, the complement: PPT1 is on the minus strand). VCF-style: chr1-40076841-C-T. GRCh37 (hg19) VCF-style: chr1-40542513-C-T.
Other names: c.489+1G>A (NM_001142604.2); c.726+1719G>A (NM_001363695.2).
Identifiers: ClinVar variation 3722984 (VCV003722984.2).

ClinVar aggregate classification (germline): Pathogenic (1 of 4 stars; one submission).

Conditions:
Neuronal ceroid lipofuscinosis 1 (CLN1). Also called: PPT1-Related Neuronal Ceroid-Lipofuscinosis; CEROID LIPOFUSCINOSIS, NEURONAL, 1, VARIABLE AGE AT ONSET. Identifiers: Orphanet 228329, MedGen C1850451, MONDO:0009744, OMIM 256730.

Submission:

Labcorp Genetics (formerly Invitae), Labcorp
Classification: Pathogenic for Neuronal ceroid lipofuscinosis 1. Last evaluated: 2024-11-07. Review status: criteria provided, single submitter. Criteria: Invitae Variant Classification Sherloc (09022015). Collection method: clinical testing. Allele origin: germline.
Comment: This sequence change affects a donor splice site in intron 8 of the PPT1 gene. While this variant is not anticipated to result in nonsense mediated decay, it likely alters RNA splicing and results in a disrupted protein product. This variant is not present in population databases (gnomAD no frequency). This variant has not been reported in the literature in individuals affected with PPT1-related conditions. Variants that disrupt the consensus splice site are a relatively common cause of aberrant splicing (PMID: 17576681, 9536098). Algorithms developed to predict the effect of sequence changes on RNA splicing suggest that this variant may disrupt the consensus splice site. This variant disrupts a region of the PPT1 protein in which other variant(s) (p.Asp267Thrfs*5) have been determined to be pathogenic (PMID: 9664077, 10649502; internal data). This suggests that this is a clinically significant region of the protein, and that variants that disrupt it are likely to be disease-causing. For these reasons, this variant has been classified as Pathogenic.

Literature cited by the submitters: PubMed 17576681; PubMed 9536098; PubMed 9664077; PubMed 10649502.